The following is an entry in ClinVar:

ClinVar aggregate classification (germline): Uncertain significance (1 of 4 stars; one submission).

Conditions:
Hereditary cancer-predisposing syndrome. Also called: Neoplastic Syndromes, Hereditary; Tumor predisposition; Hereditary neoplastic syndrome; Hereditary Cancer Syndrome. Identifiers: Orphanet 140162, MedGen C0027672, MeSH D009386, MONDO:0015356.

Submission:

Ambry Genetics
Classification: Uncertain significance for Hereditary cancer-predisposing syndrome. Last evaluated: 2025-04-23. Review status: criteria provided, single submitter. Criteria: Ambry Variant Classification Scheme 2023. Collection method: clinical testing. Allele origin: germline.
Comment: The c.1838delC variant, located in coding exon 5 of the MET gene, results from a deletion of one nucleotide at nucleotide position 1838, causing a translational frameshift with a predicted alternate stop codon (p.T613Ifs*2). This alteration is expected to result in protein truncation or nonsense-mediated mRNA decay. However, loss of function of MET has not been established as a mechanism of disease. Based on the available evidence, the clinical significance of this alteration remains unclear.

NM_000245.4(MET):c.1838del (p.Thr613fs)

Gene: MET (MET proto-oncogene, receptor tyrosine kinase; plus strand). Cytogenetic location: 7q31.2.
Variant type: Deletion.
Coding change: c.1838del on transcript NM_000245.4 (MANE Select); coding-DNA position 1838, one base deleted (C; older notation c.1838delC).
Protein change: p.Thr613fs; shifts the reading frame from threonine 613.
Molecular consequence: frameshift variant.
Genome position (GRCh38, 1-based): chr7:116,755,491, C deleted. VCF-style (leftmost placement, unchanged base first): chr7-116755490-AC-A. GRCh37 (hg19) VCF-style: chr7-116395544-AC-A.
Other names: c.1838del, p.Thr613fs (NM_001127500.3, NM_001324401.3); c.548del, p.Thr183fs (NM_001324402.2); short protein forms T183fs, T613fs.
Identifiers: ClinVar variation 4053934 (VCV004053934.1).